The following is an entry in ClinVar:

ClinVar aggregate classification (germline): Likely benign. Review status: criteria provided, multiple submitters, no conflicts (2 of 4 stars). 2 submissions from 2 submitters: Likely benign (2). Last evaluated 2022-09-27.

Conditions:
Catecholaminergic polymorphic ventricular tachycardia 1. Also called: RYR2-Related Catecholaminergic Polymorphic Ventricular Tachycardia; VENTRICULAR TACHYCARDIA, CATECHOLAMINERGIC POLYMORPHIC, 1, WITH OR WITHOUT ATRIAL DYSFUNCTION AND/OR DILATED CARDIOMYOPATHY; VENTRICULAR TACHYCARDIA, STRESS-INDUCED POLYMORPHIC 1. Identifiers: Orphanet 3286, MedGen C1631597, MONDO:0011484, OMIM 604772.

Submissions (2):

Labcorp Genetics (formerly Invitae), Labcorp
Classification: Likely benign for Catecholaminergic polymorphic ventricular tachycardia 1. Last evaluated: 2022-09-27. Review status: criteria provided, single submitter. Criteria: Invitae Variant Classification Sherloc (09022015). Collection method: clinical testing. Allele origin: germline.

Laboratory for Molecular Medicine, Mass General Brigham Personalized Medicine
Classification: Likely benign. Last evaluated: 2017-08-10. Review status: criteria provided, single submitter. Criteria: LMM Criteria. Collection method: clinical testing. Allele origin: germline. Observed: 1 variant allele.
Comment: p.Ala957Ala in exon 25 of RYR2: This variant is not expected to have clinical si gnificance because it does not alter an amino acid residue and is not located wi thin the splice consensus sequence.

NM_001035.3(RYR2):c.2871T>C (p.Ala957=)

Gene: RYR2 (ryanodine receptor 2; plus strand). Cytogenetic location: 1q43.
Variant type: single nucleotide variant.
Coding change: c.2871T>C on transcript NM_001035.3 (MANE Select); coding-DNA position 2871, T replaced by C.
Protein change: p.Ala957=; no amino-acid change (alanine 957 retained).
Molecular consequence: synonymous variant.
Genome position (GRCh38, 1-based): chr1:237,530,475, T>C. VCF-style: chr1-237530475-T-C. GRCh37 (hg19) VCF-style: chr1-237693775-T-C.
Identifiers: ClinVar variation 517471 (VCV000517471.14), dbSNP rs771821687, ClinGen allele CA423817672.